The following is an entry in ClinVar:

ClinVar aggregate classification (germline): Uncertain significance (1 of 4 stars; one submission).

Allele frequency attached by ClinVar (database versions not stated): TOPMed below 0.00001; ExAC 0.00001; gnomAD 0.00001; gnomAD exomes 0.00001; ESP Exome Variant Server 0.00008.
gnomAD v4.1: 17 of 1,613,996 alleles (0.0011%); highest among the groups gnomAD compares: Non-Finnish European, 0.0014%; no homozygotes.

Submission:

Labcorp Genetics (formerly Invitae), Labcorp
Classification: Uncertain significance. Last evaluated: 2022-07-01. Review status: criteria provided, single submitter. Criteria: Invitae Variant Classification Sherloc (09022015). Collection method: clinical testing. Allele origin: germline.
Comment: This sequence change replaces methionine, which is neutral and non-polar, with isoleucine, which is neutral and non-polar, at codon 321 of the ADNP protein (p.Met321Ile). This variant is present in population databases (rs140778449, gnomAD 0.002%). This variant has not been reported in the literature in individuals affected with ADNP-related conditions. Algorithms developed to predict the effect of missense changes on protein structure and function are either unavailable or do not agree on the potential impact of this missense change (SIFT: "Not Available"; PolyPhen-2: "Benign"; Align-GVGD: "Not Available"). In summary, the available evidence is currently insufficient to determine the role of this variant in disease. Therefore, it has been classified as a Variant of Uncertain Significance.

NM_001282531.3(ADNP):c.963G>C (p.Met321Ile)

Gene: ADNP (activity dependent neuroprotector homeobox; minus strand). Cytogenetic location: 20q13.13.
Variant type: single nucleotide variant.
Coding change: c.963G>C on transcript NM_001282531.3 (MANE Select); coding-DNA position 963, G replaced by C.
Protein change: p.Met321Ile; replaces methionine 321 with isoleucine.
Molecular consequence: missense variant.
Genome position (GRCh38, 1-based): chr20:50,893,751, C>G on the plus strand (G>C on the coding strand, the complement: ADNP is on the minus strand). VCF-style: chr20-50893751-C-G. GRCh37 (hg19) VCF-style: chr20-49510288-C-G.
Other names: c.963G>C, p.Met321Ile (NM_001282532.2, NM_001347511.2, NM_015339.5 and 1 more transcripts); short protein forms M321I.
Identifiers: ClinVar variation 2187482 (VCV002187482.1), dbSNP rs140778449, ClinGen allele CA9908808.